The following is an entry in ClinVar:

ClinVar aggregate classification (germline): Uncertain significance (1 of 4 stars; one submission).

Conditions:
Cardiovascular phenotype. Identifiers: MedGen CN230736.

Submission:

Ambry Genetics
Classification: Uncertain significance for Cardiovascular phenotype. Last evaluated: 2022-12-06. Review status: criteria provided, single submitter. Criteria: Ambry Variant Classification Scheme 2023. Collection method: clinical testing. Allele origin: germline.
Comment: The p.E823Q variant (also known as c.2467G>C), located in coding exon 18 of the RASA1 gene, results from a G to C substitution at nucleotide position 2467. The glutamic acid at codon 823 is replaced by glutamine, an amino acid with highly similar properties. This amino acid position is conserved. In addition, this alteration is predicted to be tolerated by in silico analysis. Since supporting evidence is limited at this time, the clinical significance of this alteration remains unclear.

NM_002890.3(RASA1):c.2467G>C (p.Glu823Gln)

Genes: CCNH (cyclin H; minus strand), RASA1 (RAS p21 protein activator 1; plus strand). Cytogenetic location: 5q14.3.
Variant type: single nucleotide variant.
Coding change: c.2467G>C on transcript NM_002890.3 (MANE Select); coding-DNA position 2467, G replaced by C.
Protein change: p.Glu823Gln; replaces glutamic acid 823 with glutamine.
Molecular consequence: missense variant. On other transcripts: intron variant (1).
Genome position (GRCh38, 1-based): chr5:87,378,518, G>C. VCF-style: chr5-87378518-G-C. GRCh37 (hg19) VCF-style: chr5-86674335-G-C.
Other names: c.1936G>C, p.Glu646Gln (NM_022650.3); c.933+16526C>G (NM_001364075.2); short protein forms E646Q, E823Q.
Identifiers: ClinVar variation 2453887 (VCV002453887.2), dbSNP rs2531355475, ClinGen allele CA360382700.